The following is an entry in ClinVar:

NM_000170.3(GLDC):c.2276C>G (p.Pro759Arg)

Gene: GLDC (glycine decarboxylase; minus strand). Cytogenetic location: 9p24.1.
Variant type: single nucleotide variant.
Coding change: c.2276C>G on transcript NM_000170.3 (MANE Select); coding-DNA position 2276, C replaced by G.
Protein change: p.Pro759Arg; replaces proline 759 with arginine.
Molecular consequence: missense variant.
Genome position (GRCh38, 1-based): chr9:6,554,708, G>C on the plus strand (C>G on the coding strand, the complement: GLDC is on the minus strand). VCF-style: chr9-6554708-G-C. GRCh37 (hg19) VCF-style: chr9-6554708-G-C.
Other names: short protein forms P759R.
Identifiers: ClinVar variation 2735245 (VCV002735245.3), dbSNP rs2489033624, ClinGen allele CA372880189.

ClinVar aggregate classification (germline): Likely pathogenic (1 of 4 stars; one submission).

Conditions:
Glycine encephalopathy. Also called: Nonketotic hyperglycinemia; Non-ketotic hyperglycinemia. Identifiers: Orphanet 407, MedGen C0751748, MONDO:0011612, HP:0008288.

Submission:

Labcorp Genetics (formerly Invitae), Labcorp
Classification: Likely pathogenic for Glycine encephalopathy. Last evaluated: 2023-06-25. Review status: criteria provided, single submitter. Criteria: Invitae Variant Classification Sherloc (09022015). Collection method: clinical testing. Allele origin: germline.
Comment: This variant is not present in population databases (gnomAD no frequency). This sequence change replaces proline, which is neutral and non-polar, with arginine, which is basic and polar, at codon 759 of the GLDC protein (p.Pro759Arg). This missense change has been observed in individual(s) with glycine encephalopathy (PMID: 27362913). In summary, the currently available evidence indicates that the variant is pathogenic, but additional data are needed to prove that conclusively. Therefore, this variant has been classified as Likely Pathogenic. Algorithms developed to predict the effect of sequence changes on RNA splicing suggest that this variant may create or strengthen a splice site. Advanced modeling of protein sequence and biophysical properties (such as structural, functional, and spatial information, amino acid conservation, physicochemical variation, residue mobility, and thermodynamic stability) performed at Invitae indicates that this missense variant is expected to disrupt GLDC protein function.

Literature cited by the submitters: PubMed 27362913.